The following is an entry in ClinVar:

NM_032119.4(ADGRV1):c.1070C>T (p.Ser357Leu)

Gene: ADGRV1 (adhesion G protein-coupled receptor V1; plus strand). Cytogenetic location: 5q14.3.
Variant type: single nucleotide variant.
Coding change: c.1070C>T on transcript NM_032119.4 (MANE Select); coding-DNA position 1070, C replaced by T.
Protein change: p.Ser357Leu; replaces serine 357 with leucine.
Molecular consequence: missense variant. On other transcripts: non-coding transcript variant (1).
Genome position (GRCh38, 1-based): chr5:90,627,608, C>T. VCF-style: chr5-90627608-C-T. GRCh37 (hg19) VCF-style: chr5-89923425-C-T.
Other names: c.1070C>T (NM_032119.3); short protein forms S357L.
Identifiers: ClinVar variation 2052991 (VCV002052991.8), dbSNP rs41305900, ClinGen allele CA3338607.

ClinVar aggregate classification (germline): Conflicting classifications of pathogenicity. Review status: criteria provided, conflicting classifications (1 of 4 stars). 5 submissions from 5 submitters: Uncertain significance (4); Likely benign (1). Last evaluated 2026-03-05.

Conditions:
ADGRV1-related disorder. Also called: ADGRV1-related condition; ADGRV1-related disorders.

Allele frequency attached by ClinVar (database versions not stated): ExAC 0.00002; gnomAD exomes 0.00002; gnomAD 0.00003; TOPMed 0.00003.
gnomAD v4.1: 41 of 1,613,724 alleles (0.0025%); highest among the groups gnomAD compares: Admixed American, 0.0033%; no homozygotes.

Submissions (5):

PreventionGenetics, part of Exact Sciences
Classification: Uncertain significance for ADGRV1-related condition. Last evaluated: 2026-03-05. Review status: criteria provided, single submitter. Criteria: ACMG Guidelines, 2015. Collection method: clinical testing. Allele origin: germline.
Comment: The ADGRV1 c.1070C>T variant is predicted to result in the amino acid substitution p.Ser357Leu. To our knowledge, this variant has not been reported in the literature. This variant is reported in 0.0031% of alleles in individuals of European (Non-Finnish) descent in gnomAD. At this time, the clinical significance of this variant is uncertain due to the absence of conclusive functional and genetic evidence.

Labcorp Genetics (formerly Invitae), Labcorp
Classification: Likely benign. Last evaluated: 2025-10-01. Review status: criteria provided, single submitter. Criteria: Invitae Variant Classification Sherloc (09022015). Collection method: clinical testing. Allele origin: germline.

GeneDx
Classification: Uncertain significance. Last evaluated: 2025-07-16. Review status: criteria provided, single submitter. Criteria: GeneDx Variant Classification Process June 2021. Collection method: clinical testing. Allele origin: germline. Affected: yes.
Comment: Not observed at significant frequency in large population cohorts (gnomAD); In silico analysis supports that this missense variant has a deleterious effect on protein structure/function; Has not been previously published as pathogenic or benign to our knowledge

Women's Health and Genetics/Laboratory Corporation of America, LabCorp
Classification: Uncertain significance. Last evaluated: 2025-02-25. Review status: criteria provided, single submitter. Criteria: LabCorp Variant Classification Summary - May 2015. Collection method: clinical testing. Allele origin: germline.
Comment: Variant summary: ADGRV1 c.1070C>T (p.Ser357Leu) results in a non-conservative amino acid change located in the calx-beta domain (IPR003644) of the encoded protein sequence. Four of five in-silico tools predict a damaging effect of the variant on protein function. The variant allele was found at a frequency of 1.6e-05 in 249104 control chromosomes. The available data on variant occurrences in the general population are insufficient to allow any conclusion about variant significance. To our knowledge, no occurrence of c.1070C>T in individuals affected with ADGRV1-Related Disorders and no experimental evidence demonstrating its impact on protein function have been reported. ClinVar contains an entry for this variant (Variation ID: 2052991). Based on the evidence outlined above, the variant was classified as uncertain significance.

Blueprint Genetics
Classification: Uncertain significance. Last evaluated: 2024-08-29. Review status: criteria provided, single submitter. Criteria: ACMG Guidelines, 2015. Collection method: clinical testing. Allele origin: germline.